The following is an entry in ClinVar:

ClinVar aggregate classification (germline): Uncertain significance (1 of 4 stars; one submission).

Conditions:
Primary ciliary dyskinesia 3. Identifiers: Orphanet 244, MedGen C1837618, MONDO:0012085, OMIM 608644.

Allele frequency attached by ClinVar (database versions not stated): gnomAD exomes below 0.00001 and 0.00001; gnomAD 0.00001.
gnomAD v4.1: 4 of 1,613,896 alleles (0.00025%); highest among the groups gnomAD compares: Admixed American, 0.0017%; no homozygotes.

Submission:

Johns Hopkins Genomics, Johns Hopkins University
Classification: Uncertain significance for Primary ciliary dyskinesia 3. Last evaluated: 2021-10-22. Review status: criteria provided, single submitter. Criteria: ACMG Guidelines, 2015. Collection method: clinical testing. Allele origin: germline.
Comment: DNAH5 c.7132G>A (rs1409796457) is rare (<0.1%) in a large population dataset (gnomAD: 2/251432 total alleles; 0.0008%; no homozygotes) and has not been reported in ClinVar nor the literature, to our knowledge. Three bioinformatic tools queried predict that this substitution would be damaging and the glutamic acid residue at this position is evolutionarily conserved across all species assessed. We consider the clinical significance of DNAH5 c.7132G>A to be uncertain at this time.

Literature cited by the submitters: PubMed 16627867.

NM_001369.3(DNAH5):c.7132G>A (p.Glu2378Lys)

Gene: DNAH5 (dynein axonemal heavy chain 5; minus strand). Cytogenetic location: 5p15.2.
Variant type: single nucleotide variant.
Coding change: c.7132G>A on transcript NM_001369.3 (MANE Select); coding-DNA position 7132, G replaced by A.
Protein change: p.Glu2378Lys; replaces glutamic acid 2378 with lysine.
Molecular consequence: missense variant.
Genome position (GRCh38, 1-based): chr5:13,814,703, C>T on the plus strand (G>A on the coding strand, the complement: DNAH5 is on the minus strand). VCF-style: chr5-13814703-C-T. GRCh37 (hg19) VCF-style: chr5-13814812-C-T.
Other names: short protein forms E2378K.
Identifiers: ClinVar variation 1331710 (VCV001331710.1), dbSNP rs1409796457, ClinGen allele CA359190642.